The following is an entry in ClinVar:

ClinVar aggregate classification (germline): Conflicting classifications of pathogenicity. Review status: criteria provided, conflicting classifications (1 of 4 stars). 10 submissions from 10 submitters: Uncertain significance (1); Likely benign (7). 2 of the submissions do not count toward it. Last evaluated 2025-11-05.

Conditions:
CFTR-related disorder (CFTR-RD). Also called: CFTR-related disorders; CFTR-related condition. Identifiers: MedGen C5924204, MONDO:7770004.
Cystic fibrosis (CF). Also called: MUCOVISCIDOSIS. Identifiers: Orphanet 586, MedGen C0010674, MONDO:0009061, OMIM 219700. Disease mechanism: loss of function.

Allele frequency attached by ClinVar (database versions not stated): ExAC 0.00002; gnomAD exomes 0.00004 and 0.00006; TOPMed 0.00005; gnomAD 0.00006.
gnomAD v4.1: 93 of 1,613,928 alleles (0.0058%); highest among the groups gnomAD compares: Non-Finnish European, 0.0071%; no homozygotes.

Submissions (10):

Labcorp Genetics (formerly Invitae), Labcorp
Classification: Likely benign for Cystic fibrosis. Last evaluated: 2025-11-05. Review status: criteria provided, single submitter. Criteria: Invitae Variant Classification Sherloc (09022015). Collection method: clinical testing. Allele origin: germline.

Blueprint Genetics
Classification: Likely benign. Last evaluated: 2022-12-27. Review status: criteria provided, single submitter. Criteria: ACMG Guidelines, 2015. Collection method: clinical testing. Allele origin: germline.

Women's Health and Genetics/Laboratory Corporation of America, LabCorp
Classification: Likely benign. Last evaluated: 2022-08-29. Review status: criteria provided, single submitter. Criteria: LabCorp Variant Classification Summary - May 2015. Collection method: clinical testing. Allele origin: germline.

CeGaT Center for Human Genetics Tuebingen
Classification: Likely benign. Last evaluated: 2022-07-01. Review status: criteria provided, single submitter. Criteria: CeGaT Center For Human Genetics Tuebingen Variant Classification Criteria Version 2. Collection method: clinical testing. Allele origin: germline. Affected: yes. Observed: 1 variant allele.
Comment: CFTR: BP4, BP7

Genome-Nilou Lab
Classification: Likely benign for Cystic fibrosis. Last evaluated: 2021-07-22. Review status: criteria provided, single submitter. Criteria: ACMG Guidelines, 2015. Collection method: clinical testing. Allele origin: germline. Affected: no.

ARUP Laboratories, Molecular Genetics and Genomics, ARUP Laboratories
Classification: Likely benign. Last evaluated: 2020-12-18. Review status: criteria provided, single submitter. Criteria: ARUP Molecular Germline Variant Investigation Process 2021. Collection method: clinical testing. Allele origin: germline.

Ambry Genetics
Classification: Likely benign for Cystic fibrosis. Last evaluated: 2019-08-12. Review status: criteria provided, single submitter. Criteria: Ambry Variant Classification Scheme 2023. Collection method: clinical testing. Allele origin: germline.

Eurofins Ntd Llc (ga)
Classification: Uncertain significance. Last evaluated: 2016-08-25. Review status: criteria provided, single submitter. Criteria: EGL Classification Definitions 2015. Collection method: clinical testing. Allele origin: germline. Observed: 2 variant alleles, 2 heterozygotes.

Natera, Inc.
Classification: Likely benign for CFTR-related disorders. Last evaluated: 2020-01-21. Review status: no assertion criteria provided. Collection method: clinical testing. Allele origin: germline. Not counted in ClinVar's aggregate classification.

PreventionGenetics, part of Exact Sciences
Classification: Likely benign for CFTR-related condition. Last evaluated: 2019-02-26. Review status: no assertion criteria provided. Collection method: clinical testing. Allele origin: germline. Not counted in ClinVar's aggregate classification.
Comment: This variant is classified as likely benign based on ACMG/AMP sequence variant interpretation guidelines (Richards et al. 2015 PMID: 25741868, with internal and published modifications).

NM_000492.4(CFTR):c.663G>A (p.Ala221=)

Gene: CFTR (CF transmembrane conductance regulator; plus strand). Cytogenetic location: 7q31.2.
Variant type: single nucleotide variant.
Coding change: c.663G>A on transcript NM_000492.4 (MANE Select); coding-DNA position 663, G replaced by A.
Protein change: p.Ala221=; no amino-acid change (alanine 221 retained).
Molecular consequence: synonymous variant.
Genome position (GRCh38, 1-based): chr7:117,535,331, G>A. VCF-style: chr7-117535331-G-A. GRCh37 (hg19) VCF-style: chr7-117175385-G-A.
Identifiers: ClinVar variation 290978 (VCV000290978.57), dbSNP rs758147990, ClinGen allele CA4450796.